The following is an entry in ClinVar:

ClinVar aggregate classification (germline): Conflicting classifications of pathogenicity. Review status: criteria provided, conflicting classifications (1 of 4 stars). 23 submissions from 19 submitters: Uncertain significance (4); Benign (13); Likely benign (2). 4 of the submissions do not count toward it. Last evaluated 2026-04-01.

Conditions:
Cardiovascular phenotype. Identifiers: MedGen CN230736.
TTN-related disorder. Also called: TTN-related condition; TTN-related disease; TTN-related disorders.
Dilated cardiomyopathy 1G (CMD1G). Identifiers: Orphanet 154, MedGen C1858763, MONDO:0011400, OMIM 604145.
Autosomal recessive limb-girdle muscular dystrophy type 2J (LGMDR10). Also called: Limb-girdle muscular dystrophy, type 2J; MUSCULAR DYSTROPHY, LIMB-GIRDLE, AUTOSOMAL RECESSIVE 10. Identifiers: Orphanet 140922, MedGen C1837342, MONDO:0012127, OMIM 608807.
Cardiomyopathy (CMYO). Also called: Cardiomyopathies. Identifiers: Orphanet 167848, MedGen C0878544, MONDO:0004994, HP:0001638. Inheritance: Various modes of inheritance.
Myopathy, myofibrillar, 9, with early respiratory failure (MFM9). Also called: EDSTROM MYOPATHY; MYOPATHY, PROXIMAL, WITH EARLY RESPIRATORY MUSCLE INVOLVEMENT; Hereditary myopathy with early respiratory failure; Myopathy, distal, with early respiratory failure, autosomal dominant. Identifiers: Orphanet 178464, Orphanet 34521, MedGen C1863599, MONDO:0011362, OMIM 603689.
Tibial muscular dystrophy (TMD). Also called: Udd Distal Myopathy – Tibial Muscular Dystrophy; Tibial muscular dystrophy, tardive; UDD MYOPATHY. Identifiers: Orphanet 609, MedGen C1838244, MONDO:0010870, OMIM 600334.
Early-onset myopathy with fatal cardiomyopathy (CMYO5). Also called: CONGENITAL MYOPATHY 5 WITH CARDIOMYOPATHY; Salih Myopathy. Identifiers: Orphanet 289377, MedGen C2673677, MONDO:0012714, OMIM 611705. Disease mechanism: loss of function.

Allele frequency attached by ClinVar (database versions not stated): ESP Exome Variant Server 0.00057; TOPMed 0.00065; 1000 Genomes Project 30x 0.00109; 1000 Genomes Project 0.00140; gnomAD 0.00608.
gnomAD v4.1: 3,153 of 1,613,640 alleles (0.2%); highest among the groups gnomAD compares: Non-Finnish European, 0.09%; 46 homozygotes.

Submissions (23):

CeGaT Center for Human Genetics Tuebingen
Classification: Likely benign. Last evaluated: 2026-04-01. Review status: criteria provided, single submitter. Criteria: CeGaT Center For Human Genetics Tuebingen Variant Classification Criteria Version 2. Collection method: clinical testing. Allele origin: germline. Affected: yes. Observed: 9 variant alleles.
Comment: TTN: BS1

Labcorp Genetics (formerly Invitae), Labcorp
Classification: Benign for Dilated cardiomyopathy 1G; Autosomal recessive limb-girdle muscular dystrophy type 2J. Last evaluated: 2026-02-03. Review status: criteria provided, single submitter. Criteria: Invitae Variant Classification Sherloc (09022015). Collection method: clinical testing. Allele origin: germline.

Molecular Diagnostic Laboratory for Inherited Cardiovascular Disease, Montreal Heart Institute
Classification: Benign. Last evaluated: 2025-04-09. Review status: criteria provided, single submitter. Criteria: ACMG Guidelines, 2015. Collection method: clinical testing. Allele origin: germline. Affected: no.

ARUP Laboratories, Molecular Genetics and Genomics, ARUP Laboratories
Classification: Benign. Last evaluated: 2025-04-07. Review status: criteria provided, single submitter. Criteria: ARUP Molecular Germline Variant Investigation Process 2024. Collection method: clinical testing. Allele origin: germline.

Blueprint Genetics
Classification: Likely benign. Last evaluated: 2024-11-25. Review status: criteria provided, single submitter. Criteria: ACMG Guidelines, 2015. Collection method: clinical testing. Allele origin: germline.

Mayo Clinic Laboratories, Mayo Clinic
Classification: Benign. Last evaluated: 2022-01-03. Review status: criteria provided, single submitter. Criteria: ACMG Guidelines, 2015. Collection method: clinical testing. Allele origin: germline. Observed: 5 variant alleles.
Comment: BS1, BS2

Women's Health and Genetics/Laboratory Corporation of America, LabCorp
Classification: Benign. Last evaluated: 2020-09-08. Review status: criteria provided, single submitter. Criteria: LabCorp Variant Classification Summary - May 2015. Collection method: clinical testing. Allele origin: germline.
Comment: Variant summary: TTN c.75359G>A (p.Arg25120His) results in a non-conservative amino acid change located in the A-band region of the encoded protein sequence. Five of five in-silico tools predict a damaging effect of the variant on protein function. The variant allele was found at a frequency of 0.0034 in 248882 control chromosomes in the gnomAD database, including 13 homozygotes. The observed variant frequency is approximately 8.8-fold the estimated maximal expected allele frequency for a pathogenic variant in TTN causing Dilated Cardiomyopathy phenotype (0.00039), strongly suggesting that the variant is benign. c.75359G>A has been reported in the literature in individuals affected with Dilated Cardiomyopathy (e.g. Lopes_2013, Campuzano_2015). These reports do not provide unequivocal conclusions about association of the variant with Dilated Cardiomyopathy. To our knowledge, no experimental evidence demonstrating an impact on protein function has been reported. Seven other clinical diagnostic laboratories have submitted clinical-significance assessments for this variant to ClinVar after 2014 without evidence for independent evaluation, citing the variant as benign (n=6) and uncertain significance (n=1). Based on the evidence outlined above, the variant was classified as benign.

Athena Diagnostics
Classification: Benign. Last evaluated: 2020-03-17. Review status: criteria provided, single submitter. Criteria: Athena Diagnostics Criteria. Collection method: clinical testing. Allele origin: unknown.

CHEO Genetics Diagnostic Laboratory, Children's Hospital of Eastern Ontario
Classification: Benign for Cardiomyopathy. Last evaluated: 2018-03-27. Review status: criteria provided, single submitter. Criteria: ACMG Guidelines, 2015. Collection method: clinical testing. Allele origin: germline.

Illumina Laboratory Services, Illumina
Classification: Benign for Tibial muscular dystrophy. Last evaluated: 2018-01-13. Review status: criteria provided, single submitter. Criteria: ICSL Variant Classification Criteria 13 December 2019. Collection method: clinical testing. Allele origin: germline.
Comment: This variant was observed in the ICSL laboratory as part of a predisposition screen in an ostensibly healthy population. It had not been previously curated by ICSL or reported in the Human Gene Mutation Database (HGMD: prior to June 1st, 2018), and was therefore a candidate for classification through an automated scoring system. Utilizing variant allele frequency, disease prevalence and penetrance estimates, and inheritance mode, an automated score was calculated to assess if this variant is too frequent to cause the disease. Based on the score and internal cut-off values, a variant classified as benign is not then subjected to further curation. The score for this variant resulted in a classification of benign for this disease.

Illumina Laboratory Services, Illumina
Classification: Benign for Myopathy, myofibrillar, 9, with early respiratory failure. Last evaluated: 2018-01-13. Review status: criteria provided, single submitter. Criteria: ICSL Variant Classification Criteria 13 December 2019. Collection method: clinical testing. Allele origin: germline.
Comment: the same text as in the submission from Illumina Laboratory Services, Illumina above.

Illumina Laboratory Services, Illumina
Classification: Uncertain significance for Dilated cardiomyopathy 1G. Last evaluated: 2018-01-13. Review status: criteria provided, single submitter. Criteria: ICSL Variant Classification Criteria 13 December 2019. Collection method: clinical testing. Allele origin: germline.

Illumina Laboratory Services, Illumina
Classification: Uncertain significance for Early-onset myopathy with fatal cardiomyopathy. Last evaluated: 2018-01-13. Review status: criteria provided, single submitter. Criteria: ICSL Variant Classification Criteria 13 December 2019. Collection method: clinical testing. Allele origin: germline.

Illumina Laboratory Services, Illumina
Classification: Uncertain significance for Autosomal recessive limb-girdle muscular dystrophy type 2J. Last evaluated: 2018-01-13. Review status: criteria provided, single submitter. Criteria: ICSL Variant Classification Criteria 13 December 2019. Collection method: clinical testing. Allele origin: germline.

Ambry Genetics
Classification: Benign for Cardiovascular phenotype. Last evaluated: 2017-12-12. Review status: criteria provided, single submitter. Criteria: Ambry Variant Classification Scheme 2023. Collection method: clinical testing. Allele origin: germline.

GeneDx
Classification: Benign. Last evaluated: 2017-01-31. Review status: criteria provided, single submitter. Criteria: GeneDx Variant Classification (06012015). Collection method: clinical testing. Allele origin: germline. Affected: yes.
Comment: This variant is considered likely benign or benign based on one or more of the following criteria: it is a conservative change, it occurs at a poorly conserved position in the protein, it is predicted to be benign by multiple in silico algorithms, and/or has population frequency not consistent with disease.

Eurofins Ntd Llc (ga)
Classification: Benign. Last evaluated: 2015-08-06. Review status: criteria provided, single submitter. Criteria: EGL Classification Definitions 2015. Collection method: clinical testing. Allele origin: germline. Observed: 1 variant allele, 1 heterozygote.

Laboratory for Molecular Medicine, Mass General Brigham Personalized Medicine
Classification: Benign. Last evaluated: 2015-01-19. Review status: criteria provided, single submitter. Criteria: LMM Criteria. Collection method: clinical testing. Allele origin: germline. Observed: 1 variant allele.
Comment: p.Arg25120His in exon 275 of TTN: This variant is not expected to have clinical significance it has been identified in 3.3% (220/6748) of Finnish chromosomes by the Exome Aggregation Consortium (ExAC; dbSNP r s185002960).

Biesecker Lab/Clinical Genomics Section, National Institutes of Health
Classification: Uncertain significance. Last evaluated: 2013-06-24. Review status: criteria provided, single submitter. Criteria: Ng et al. (Circ Cardiovasc Genet. 2013). Collection method: research. Allele origin: unknown. Observed: 1 variant allele. Study: ClinSeq.
Comment: The study set was not selected for affection status in relation to any cancer. Pathogenicity categories were based on literature curation. See Pubmed ID:23861362 for details.

Medical sequencing

PreventionGenetics, part of Exact Sciences
Classification: Benign for TTN-related condition. Last evaluated: 2021-02-03. Review status: no assertion criteria provided. Collection method: clinical testing. Allele origin: germline. Not counted in ClinVar's aggregate classification.
Comment: This variant is classified as benign based on ACMG/AMP sequence variant interpretation guidelines (Richards et al. 2015 PMID: 25741868, with internal and published modifications).

Clinical Genetics DNA and cytogenetics Diagnostics Lab, Erasmus MC, Erasmus Medical Center
Classification: Likely benign. Review status: no assertion criteria provided. Collection method: clinical testing. Allele origin: germline. Affected: yes. Study: VKGL Data-share Consensus. Not counted in ClinVar's aggregate classification.

Clinical Genetics, Academic Medical Center
Classification: Benign. Review status: no assertion criteria provided. Collection method: clinical testing. Allele origin: germline. Affected: yes. Study: VKGL Data-share Consensus. Not counted in ClinVar's aggregate classification.

Genome Diagnostics Laboratory, University Medical Center Utrecht
Classification: Benign. Review status: no assertion criteria provided. Collection method: clinical testing. Allele origin: germline. Affected: yes. Study: VKGL Data-share Consensus. Not counted in ClinVar's aggregate classification.

Literature cited by the submitters: PubMed 23396983 (cited by Women's Health and Genetics/Laboratory Corporation of America, LabCorp); PubMed 26516846 (cited by Women's Health and Genetics/Laboratory Corporation of America, LabCorp).

NM_001267550.2(TTN):c.83063G>A (p.Arg27688His)

Genes: TTN (titin; minus strand), TTN-AS1 (TTN antisense RNA 1; plus strand). Cytogenetic location: 2q31.2.
Variant type: single nucleotide variant.
Coding change: c.83063G>A on transcript NM_001267550.2 (MANE Select); coding-DNA position 83063, G replaced by A.
Protein change: p.Arg27688His; replaces arginine 27688 with histidine.
Molecular consequence: missense variant.
Genome position (GRCh38, 1-based): chr2:178,563,069, C>T on the plus strand (G>A on the coding strand, the complement: TTN is on the minus strand). VCF-style: chr2-178563069-C-T. GRCh37 (hg19) VCF-style: chr2-179427796-C-T.
Other names: p.R26047H:CGT>CAT; c.78140G>A, p.Arg26047His (NM_001256850.1); c.75359G>A, p.Arg25120His (NM_133378.4); c.55868G>A, p.Arg18623His (NM_003319.4); c.56243G>A, p.Arg18748His (NM_133432.3); c.56444G>A, p.Arg18815His (NM_133437.4); short protein forms R25120H, R27688H, R26047H, R18623H, R18748H, R18815H.
Identifiers: ClinVar variation 191875 (VCV000191875.65), dbSNP rs185002960, ClinGen allele CA302430.